The following is an entry in ClinVar:

ClinVar aggregate classification (germline): Conflicting classifications of pathogenicity. Review status: criteria provided, conflicting classifications (1 of 4 stars). 3 submissions from 3 submitters: Uncertain significance (1); Likely benign (2). Last evaluated 2026-02-16.

Conditions:
EDNRB-related disorder. Also called: EDNRB-related condition; EDNRB-related disorders.

Allele frequency attached by ClinVar (database versions not stated): TOPMed below 0.00001; gnomAD 0.00003; gnomAD exomes 0.00011; ExAC 0.00026.
gnomAD v4.1: 170 of 1,612,166 alleles (0.011%); highest among the groups gnomAD compares: South Asian, 0.17%; 1 homozygote.

Submissions (3):

PreventionGenetics, part of Exact Sciences
Classification: Likely benign for EDNRB-related condition. Last evaluated: 2026-02-16. Review status: criteria provided, single submitter. Criteria: ACMG Guidelines, 2015. Collection method: clinical testing. Allele origin: germline.
Comment: This variant is classified as likely benign based on ACMG/AMP sequence variant interpretation guidelines (Richards et al. 2015 PMID: 25741868, with internal and published modifications).

Blueprint Genetics
Classification: Uncertain significance. Last evaluated: 2024-10-23. Review status: criteria provided, single submitter. Criteria: ACMG Guidelines, 2015. Collection method: clinical testing. Allele origin: germline.

Labcorp Genetics (formerly Invitae), Labcorp
Classification: Likely benign. Last evaluated: 2023-04-01. Review status: criteria provided, single submitter. Criteria: Invitae Variant Classification Sherloc (09022015). Collection method: clinical testing. Allele origin: germline.

NM_001122659.3(EDNRB):c.1264A>G (p.Lys422Glu)

Genes: EDNRB (endothelin receptor type B; minus strand), EDNRB-AS1 (EDNRB antisense RNA 1; plus strand). Cytogenetic location: 13q22.3.
Variant type: single nucleotide variant.
Coding change: c.1264A>G on transcript NM_001122659.3 (MANE Select); coding-DNA position 1264, A replaced by G.
Protein change: p.Lys422Glu; replaces lysine 422 with glutamic acid.
Molecular consequence: missense variant. On other transcripts: intron variant (1).
Genome position (GRCh38, 1-based): chr13:77,898,265, T>C on the plus strand (A>G on the coding strand, the complement: EDNRB is on the minus strand). VCF-style: chr13-77898265-T-C. GRCh37 (hg19) VCF-style: chr13-78472400-T-C.
Other names: c.1264A>G, p.Lys422Glu (NM_000115.5); c.1534A>G, p.Lys512Glu (NM_001201397.2); c.1194+1594A>G (NM_003991.4); c.1264A>G (NM_000115.4); short protein forms K512E, K422E.
Identifiers: ClinVar variation 2151208 (VCV002151208.6), dbSNP rs200720978, ClinGen allele CA7012151.